The following is an entry in ClinVar:

NM_005932.4(MIPEP):c.1053+1G>A

Gene: MIPEP (mitochondrial intermediate peptidase; minus strand). Cytogenetic location: 13q12.12.
Variant type: single nucleotide variant.
Coding change: c.1053+1G>A on transcript NM_005932.4 (MANE Select); the canonical splice donor site of the intron after coding-DNA position 1053, G replaced by A.
Molecular consequence: splice donor variant.
Genome position (GRCh38, 1-based): chr13:23,862,301, C>T on the plus strand (G>A on the coding strand, the complement: MIPEP is on the minus strand). VCF-style: chr13-23862301-C-T. GRCh37 (hg19) VCF-style: chr13-24436440-C-T.
Identifiers: ClinVar variation 2222896 (VCV002222896.3), dbSNP rs368537909, ClinGen allele CA246674736.
Genomic context (GRCh38, chr13:23,862,301, plus strand): 5'-AGATATTGATTTCAGTTGACAGACTGTCTATATTATAATAAAAATATTCCAACATACTTA[C>T]GGAATTTTGAGGATTCAGTTTCATTTTCATCCCTCGTATCATCTCAAAATCTTTCAGAGT-3'

ClinVar aggregate classification (germline): Conflicting classifications of pathogenicity. Review status: criteria provided, conflicting classifications (1 of 4 stars). 2 submissions from 2 submitters: Likely pathogenic (1); Uncertain significance (1). Last evaluated 2024-08-05.

Conditions:
Inborn genetic diseases. Identifiers: MedGen C0950123, MeSH D030342.

Allele frequency attached by ClinVar (database versions not stated): TOPMed 0.00002; gnomAD 0.00003; ESP Exome Variant Server 0.00008.
gnomAD v4.1: 22 of 1,529,638 alleles (0.0014%); highest among the groups gnomAD compares: Middle Eastern, 0.017%; no homozygotes.

Submissions (2):

Blueprint Genetics
Classification: Uncertain significance. Last evaluated: 2024-08-05. Review status: criteria provided, single submitter. Criteria: ACMG Guidelines, 2015. Collection method: clinical testing. Allele origin: germline.

Ambry Genetics
Classification: Likely pathogenic for Inborn genetic diseases. Last evaluated: 2021-09-17. Review status: criteria provided, single submitter. Criteria: Ambry Variant Classification Scheme 2023. Collection method: clinical testing. Allele origin: germline.
Comment: The c.1053+1G>A intronic alteration results from a G to A substitution one nucleotide after coding exon 9 of the MIPEP gene. Alterations that disrupt the canonical splice site are expected to cause aberrant splicing, resulting in an abnormal protein or a transcript that is subject to nonsense-mediated mRNA decay. Based on data from gnomAD, the A allele has an overall frequency of <0.01% (3/245586) total alleles studied. This nucleotide position is highly conserved in available vertebrate species. In silico splice site analysis predicts that this alteration will weaken the native splice donor site and may result in the creation or strengthening of a novel splice donor site. Based on the available evidence, this alteration is classified as likely pathogenic.